The following is an entry in ClinVar:

ClinVar aggregate classification (germline): Uncertain significance (1 of 4 stars; one submission).

Conditions:
Infantile spasms. Also called: Infantile spasm. Identifiers: MedGen C3887898, HP:0012469.

Allele frequency attached by ClinVar (database versions not stated): gnomAD exomes below 0.00001 and 0.00001; TOPMed below 0.00001; ExAC 0.00001.
gnomAD v4.1: 6 of 1,613,754 alleles (0.00037%); highest among the groups gnomAD compares: Non-Finnish European, 0.00051%; no homozygotes.

Submission:

Labcorp Genetics (formerly Invitae), Labcorp
Classification: Uncertain significance for Infantile spasms. Last evaluated: 2022-02-04. Review status: criteria provided, single submitter. Criteria: Invitae Variant Classification Sherloc (09022015). Collection method: clinical testing. Allele origin: germline.
Comment: ClinVar contains an entry for this variant (Variation ID: 965819). In summary, the available evidence is currently insufficient to determine the role of this variant in disease. Therefore, it has been classified as a Variant of Uncertain Significance. Algorithms developed to predict the effect of missense changes on protein structure and function are either unavailable or do not agree on the potential impact of this missense change (SIFT: "Tolerated"; PolyPhen-2: "Probably Damaging"; Align-GVGD: "Class C0"). This missense change has been observed in individual(s) with infantile spasms (PMID: 25262651). This variant is present in population databases (rs763602032, gnomAD 0.002%). This sequence change replaces glutamic acid, which is acidic and polar, with lysine, which is basic and polar, at codon 420 of the PIK3AP1 protein (p.Glu420Lys).

Literature cited by the submitters: PubMed 25262651.

NM_152309.3(PIK3AP1):c.1258G>A (p.Glu420Lys)

Gene: PIK3AP1 (phosphoinositide-3-kinase adaptor protein 1; minus strand). Cytogenetic location: 10q24.1.
Variant type: single nucleotide variant.
Coding change: c.1258G>A on transcript NM_152309.3 (MANE Select); coding-DNA position 1258, G replaced by A.
Protein change: p.Glu420Lys; replaces glutamic acid 420 with lysine.
Molecular consequence: missense variant.
Genome position (GRCh38, 1-based): chr10:96,645,590, C>T on the plus strand (G>A on the coding strand, the complement: PIK3AP1 is on the minus strand). VCF-style: chr10-96645590-C-T. GRCh37 (hg19) VCF-style: chr10-98405347-C-T.
Other names: short protein forms E420K.
Identifiers: ClinVar variation 965819 (VCV000965819.8), dbSNP rs763602032, ClinGen allele CA5626326.